The following is an entry in ClinVar:

ClinVar aggregate classification (germline): Uncertain significance (1 of 4 stars; one submission).

Submission:

Labcorp Genetics (formerly Invitae), Labcorp
Classification: Uncertain significance. Last evaluated: 2025-01-29. Review status: criteria provided, single submitter. Criteria: Invitae Variant Classification Sherloc (09022015). Collection method: clinical testing. Allele origin: germline.
Comment: This sequence change replaces arginine, which is basic and polar, with valine, which is neutral and non-polar, at codon 82 of the CD46 protein (p.Arg82Val). Information on the frequency of this variant in the gnomAD database is not available, as this variant may be reported differently in the database. This variant has not been reported in the literature in individuals affected with CD46-related conditions. An algorithm developed to predict the effect of missense changes on protein structure and function (PolyPhen-2) suggests that this variant is likely to be tolerated. In summary, the available evidence is currently insufficient to determine the role of this variant in disease. Therefore, it has been classified as a Variant of Uncertain Significance.

NM_172351.3(CD46):c.244_245delinsGT (p.Arg82Val)

Gene: CD46 (CD46 molecule; plus strand). Cytogenetic location: 1q32.2.
Variant type: Indel.
Coding change: c.244_245delinsGT on transcript NM_172351.3 (MANE Select); coding-DNA positions 244 to 245, CG replaced by GT.
Protein change: p.Arg82Val; replaces arginine 82 with valine.
Molecular consequence: missense variant.
Genome position (GRCh38, 1-based): chr1:207,757,160-207,757,161, CG replaced by GT. VCF-style: chr1-207757160-CG-GT. GRCh37 (hg19) VCF-style: chr1-207930505-CG-GT.
Other names: c.244_245delinsGT, p.Arg82Val (NM_002389.4, NM_153826.4, NM_172350.3 and 8 more transcripts); short protein forms R82V.
Identifiers: ClinVar variation 3729432 (VCV003729432.2).